The following is an entry in ClinVar:

NM_001353345.2(SETD1B):c.1807C>T (p.Pro603Ser)

Gene: SETD1B (SET domain containing 1B, histone lysine methyltransferase; plus strand). Cytogenetic location: 12q24.31.
Variant type: single nucleotide variant.
Coding change: c.1807C>T on transcript NM_001353345.2 (MANE Select); coding-DNA position 1807, C replaced by T.
Protein change: p.Pro603Ser; replaces proline 603 with serine.
Molecular consequence: missense variant.
Genome position (GRCh38, 1-based): chr12:121,810,752, C>T. VCF-style: chr12-121810752-C-T. GRCh37 (hg19) VCF-style: chr12-122248658-C-T.
Other names: short protein forms P603S.
Identifiers: ClinVar variation 4976091 (VCV004976091.1).

ClinVar aggregate classification (germline): Uncertain significance (1 of 4 stars; one submission).

Submission:

GeneDx
Classification: Uncertain significance. Last evaluated: 2026-02-12. Review status: criteria provided, single submitter. Criteria: GeneDx Variant Classification Process June 2021. Collection method: clinical testing. Allele origin: germline.
Comment: Not observed at significant frequency in large population cohorts (gnomAD); In silico analysis supports that this missense variant has a deleterious effect on protein structure/function; Has not been previously published as pathogenic or benign to our knowledge